The following is an entry in ClinVar:

NM_020699.4(GATAD2B):c.742A>G (p.Ile248Val)

Gene: GATAD2B (GATA zinc finger domain containing 2B; minus strand). Cytogenetic location: 1q21.3.
Variant type: single nucleotide variant.
Coding change: c.742A>G on transcript NM_020699.4 (MANE Select); coding-DNA position 742, A replaced by G.
Protein change: p.Ile248Val; replaces isoleucine 248 with valine.
Molecular consequence: missense variant.
Genome position (GRCh38, 1-based): chr1:153,817,530, T>C on the plus strand (A>G on the coding strand, the complement: GATAD2B is on the minus strand). VCF-style: chr1-153817530-T-C. GRCh37 (hg19) VCF-style: chr1-153790006-T-C.
Other names: short protein forms I248V.
Identifiers: ClinVar variation 2889327 (VCV002889327.3), dbSNP rs2525252816, ClinGen allele CA342531044.

ClinVar aggregate classification (germline): Uncertain significance (1 of 4 stars; one submission).

Allele frequency attached by ClinVar (database versions not stated): gnomAD exomes below 0.00001.
gnomAD v4.1: 1 of 1,597,698 alleles (0.000063%); highest among the groups gnomAD compares: Non-Finnish European, 0.000085%; no homozygotes.

Submission:

Labcorp Genetics (formerly Invitae), Labcorp
Classification: Uncertain significance. Last evaluated: 2024-07-24. Review status: criteria provided, single submitter. Criteria: Invitae Variant Classification Sherloc (09022015). Collection method: clinical testing. Allele origin: germline.
Comment: This sequence change replaces isoleucine, which is neutral and non-polar, with valine, which is neutral and non-polar, at codon 248 of the GATAD2B protein (p.Ile248Val). This variant is not present in population databases (gnomAD no frequency). This variant has not been reported in the literature in individuals affected with GATAD2B-related conditions. Advanced modeling of protein sequence and biophysical properties (such as structural, functional, and spatial information, amino acid conservation, physicochemical variation, residue mobility, and thermodynamic stability) performed at Invitae indicates that this missense variant is not expected to disrupt GATAD2B protein function with a negative predictive value of 80%. In summary, the available evidence is currently insufficient to determine the role of this variant in disease. Therefore, it has been classified as a Variant of Uncertain Significance.